The following is an entry in ClinVar:

ClinVar aggregate classification (germline): Conflicting classifications of pathogenicity. Review status: criteria provided, conflicting classifications (1 of 4 stars). 3 submissions from 3 submitters: Uncertain significance (2); Likely benign (1). Last evaluated 2023-03-01.

Conditions:
Cataract 18 (CATC2). Also called: CATARACT 18, AUTOSOMAL RECESSIVE. Identifiers: Orphanet 91492, Orphanet 98991, Orphanet 98992, Orphanet 98995, MedGen C1864908, MONDO:0012395, OMIM 610019.

Allele frequency attached by ClinVar (database versions not stated): TOPMed 0.00001; ExAC 0.00002.
gnomAD v4.1: 11 of 1,613,986 alleles (0.00068%); highest among the groups gnomAD compares: Middle Eastern, 0.017%; no homozygotes.

Submissions (3):

CeGaT Center for Human Genetics Tuebingen
Classification: Likely benign. Last evaluated: 2023-03-01. Review status: criteria provided, single submitter. Criteria: CeGaT Center For Human Genetics Tuebingen Variant Classification Criteria Version 2. Collection method: clinical testing. Allele origin: germline. Affected: yes. Observed: 1 variant allele.
Comment: FYCO1: BP4, BP7

Illumina Laboratory Services, Illumina
Classification: Uncertain significance for Cataract 18. Last evaluated: 2018-01-13. Review status: criteria provided, single submitter. Criteria: ICSL Variant Classification Criteria 13 December 2019. Collection method: clinical testing. Allele origin: germline.

Breakthrough Genomics
Classification: Uncertain significance. Review status: criteria provided, single submitter. Criteria: ACMG Guidelines, 2015. Collection method: not provided. Allele origin: germline. Inheritance: Autosomal recessive inheritance. Affected: yes.

NM_024513.4(FYCO1):c.3993C>T (p.Pro1331=)

Gene: FYCO1 (FYVE and coiled-coil domain autophagy adaptor 1; minus strand). Cytogenetic location: 3p21.31.
Variant type: single nucleotide variant.
Coding change: c.3993C>T on transcript NM_024513.4 (MANE Select); coding-DNA position 3993, C replaced by T.
Protein change: p.Pro1331=; no amino-acid change (proline 1331 retained).
Molecular consequence: synonymous variant.
Genome position (GRCh38, 1-based): chr3:45,936,495, G>A on the plus strand (C>T on the coding strand, the complement: FYCO1 is on the minus strand). VCF-style: chr3-45936495-G-A. GRCh37 (hg19) VCF-style: chr3-45977987-G-A.
Identifiers: ClinVar variation 345498 (VCV000345498.30), dbSNP rs752606656, ClinGen allele CA2352437.